The following is an entry in ClinVar:

NM_001352027.3(PHF21A):c.262C>T (p.Gln88Ter)

Gene: PHF21A (PHD finger protein 21A; minus strand). Cytogenetic location: 11p11.2.
Variant type: single nucleotide variant.
Coding change: c.262C>T on transcript NM_001352027.3 (MANE Select); coding-DNA position 262, C replaced by T.
Protein change: p.Gln88Ter; replaces glutamine 88 with a stop codon.
Molecular consequence: nonsense. On other transcripts: non-coding transcript variant (2).
Genome position (GRCh38, 1-based): chr11:45,979,858, G>A on the plus strand (C>T on the coding strand, the complement: PHF21A is on the minus strand). VCF-style: chr11-45979858-G-A. GRCh37 (hg19) VCF-style: chr11-46001409-G-A.
Other names: c.262C>T (NM_016621.3); c.262C>T, p.Gln88Ter (NM_001101802.3, NM_001352025.3, NM_001352026.3 and 6 more transcripts); short protein forms Q88*.
Identifiers: ClinVar variation 2127715 (VCV002127715.5), dbSNP rs2498652640, ClinGen allele CA380214687.

ClinVar aggregate classification (germline): Pathogenic/Likely pathogenic. Review status: criteria provided, multiple submitters, no conflicts (2 of 4 stars). 2 submissions from 2 submitters: Pathogenic (1); Likely pathogenic (1). Last evaluated 2023-04-24.

Conditions:
PHF21A-related disorder. Also called: PHF21A-related condition.

Submissions (2):

PreventionGenetics, part of Exact Sciences
Classification: Likely pathogenic for PHF21A-related condition. Last evaluated: 2023-04-24. Review status: criteria provided, single submitter. Criteria: ACMG Guidelines, 2015. Collection method: clinical testing. Allele origin: germline.
Comment: The PHF21A c.262C>T variant is predicted to result in premature protein termination (p.Gln88*). This variant has not been reported in the literature or in a large population database, indicating this variant is rare. Nonsense variants in PHF21A are expected to be pathogenic. This variant is interpreted as likely pathogenic.

Labcorp Genetics (formerly Invitae), Labcorp
Classification: Pathogenic. Last evaluated: 2022-04-18. Review status: criteria provided, single submitter. Criteria: Invitae Variant Classification Sherloc (09022015). Collection method: clinical testing. Allele origin: germline.
Comment: This variant has not been reported in the literature in individuals affected with PHF21A-related conditions. For these reasons, this variant has been classified as Pathogenic. This sequence change creates a premature translational stop signal (p.Gln88*) in the PHF21A gene. It is expected to result in an absent or disrupted protein product. Loss-of-function variants in PHF21A are known to be pathogenic (PMID: 30487643). This variant is not present in population databases (gnomAD no frequency).

Literature cited by the submitters: PubMed 30487643 (cited by Labcorp Genetics (formerly Invitae), Labcorp).